The following is an entry in ClinVar:

ClinVar aggregate classification (germline): Pathogenic (1 of 4 stars; one submission).

Submission:

ISCA Site 6
Classification: Pathogenic. Last evaluated: 2011-08-12. Review status: criteria provided, single submitter. Criteria: Kaminsky et al. (Genet Med. 2011). Collection method: clinical testing. Allele origin: unknown. Affected: yes. Observed: 1 variant allele.
Comment: Copy number variation identified through the course of routine clinical cytogenomic testing in postnatal populations. Clinical assertions have been curated as described in Kaminsky et al. 2011.

GRCh38/hg38 16p11.2(chr16:29581462-30321260)x1

Genes: ALDOA (aldolase, fructose-bisphosphate A; plus strand), ASPHD1 (aspartate beta-hydroxylase domain containing 1; plus strand), BOLA2B (bolA family member 2B; minus strand), C16orf54 (chromosome 16 open reading frame 54; minus strand), CDIPT (CDP-diacylglycerol--inositol 3-phosphatidyltransferase; minus strand) and 109 more. Cytogenetic location: 16p11.2.
Variant type: copy number loss.
Change: copy number 1 (one copy instead of two) of chr16:29,581,462-30,321,260 (739.8 kb, GRCh38 coordinates, 1-based), cytogenetic band 16p11.2.
Identifiers: ClinVar variation 161090 (VCV000161090.2).